The following is an entry in ClinVar:

ClinVar aggregate classification (germline): Uncertain significance. Review status: criteria provided, multiple submitters, no conflicts (2 of 4 stars). 3 submissions from 3 submitters: Uncertain significance (2). 1 of the submissions does not count toward it. Last evaluated 2025-10-07.

Conditions:
Familial dysautonomia. Also called: FD; HSAN III. Identifiers: Orphanet 1764, MedGen C0013364, MONDO:0009131, OMIM 223900. Disease mechanism: loss of function.

gnomAD v4.1: 2 of 1,614,128 alleles (0.00012%); highest among the groups gnomAD compares: East Asian, 0.0022%; no homozygotes.

Submissions (3):

Ambry Genetics
Classification: Uncertain significance. Last evaluated: 2025-10-07. Review status: criteria provided, single submitter. Criteria: Ambry Variant Classification Scheme 2023. Collection method: clinical testing. Allele origin: germline.

Labcorp Genetics (formerly Invitae), Labcorp
Classification: Uncertain significance. Last evaluated: 2021-08-27. Review status: criteria provided, single submitter. Criteria: Invitae Variant Classification Sherloc (09022015). Collection method: clinical testing. Allele origin: germline.
Comment: This sequence change replaces valine with isoleucine at codon 47 of the ELP1 protein (p.Val47Ile). The valine residue is weakly conserved and there is a small physicochemical difference between valine and isoleucine. This variant is present in population databases (rs151209640, ExAC 0.01%). This variant has not been reported in the literature in individuals affected with ELP1-related conditions. Algorithms developed to predict the effect of missense changes on protein structure and function output the following: SIFT: "Tolerated"; PolyPhen-2: "Benign"; Align-GVGD: "Class C0". The isoleucine amino acid residue is found in multiple mammalian species, which suggests that this missense change does not adversely affect protein function. In summary, the available evidence is currently insufficient to determine the role of this variant in disease. Therefore, it has been classified as a Variant of Uncertain Significance.

Natera, Inc.
Classification: Uncertain significance for Familial dysautonomia. Last evaluated: 2020-06-16. Review status: no assertion criteria provided. Collection method: clinical testing. Allele origin: germline. Not counted in ClinVar's aggregate classification.

NM_003640.5(ELP1):c.139G>A (p.Val47Ile)

Gene: ELP1 (elongator acetyltransferase complex subunit 1; minus strand). Cytogenetic location: 9q31.3.
Variant type: single nucleotide variant.
Coding change: c.139G>A on transcript NM_003640.5 (MANE Select); coding-DNA position 139, G replaced by A.
Protein change: p.Val47Ile; replaces valine 47 with isoleucine.
Molecular consequence: missense variant. On other transcripts: 5 prime UTR variant (2).
Genome position (GRCh38, 1-based): chr9:108,931,008, C>T on the plus strand (G>A on the coding strand, the complement: ELP1 is on the minus strand). VCF-style: chr9-108931008-C-T. GRCh37 (hg19) VCF-style: chr9-111693288-C-T.
Other names: c.-204G>A (NM_001318360.2); c.-721G>A (NM_001330749.2); c.139G>A (NM_003640.3); short protein forms V47I.
Identifiers: ClinVar variation 1002522 (VCV001002522.6), dbSNP rs151209640, ClinGen allele CA5175461.